The following is an entry in ClinVar:

ClinVar aggregate classification (germline): Likely benign (0 of 4 stars; one submission).

Conditions:
STXBP5-related disorder. Also called: STXBP5-related condition.

Allele frequency attached by ClinVar (database versions not stated): gnomAD exomes 0.00005; 1000 Genomes Project 30x 0.00016; ExAC 0.00018; 1000 Genomes Project 0.00020; gnomAD 0.00052; TOPMed 0.00058; ESP Exome Variant Server 0.00085.
gnomAD v4.1: 155 of 1,612,840 alleles (0.0096%); highest among the groups gnomAD compares: African/African-American, 0.19%; no homozygotes.

Submission:

PreventionGenetics, part of Exact Sciences
Classification: Likely benign for STXBP5-related condition. Last evaluated: 2021-06-15. Review status: no assertion criteria provided. Collection method: clinical testing. Allele origin: germline.
Comment: This variant is classified as likely benign based on ACMG/AMP sequence variant interpretation guidelines (Richards et al. 2015 PMID: 25741868, with internal and published modifications).

NM_001127715.4(STXBP5):c.798A>G (p.Val266=)

Gene: STXBP5 (syntaxin binding protein 5; plus strand). Cytogenetic location: 6q24.3.
Variant type: single nucleotide variant.
Coding change: c.798A>G on transcript NM_001127715.4 (MANE Select); coding-DNA position 798, A replaced by G.
Protein change: p.Val266=; no amino-acid change (valine 266 retained).
Molecular consequence: synonymous variant.
Genome position (GRCh38, 1-based): chr6:147,278,164, A>G. VCF-style: chr6-147278164-A-G. GRCh37 (hg19) VCF-style: chr6-147599300-A-G.
Other names: c.798A>G, p.Val266= (NM_001394409.1, NM_139244.6).
Identifiers: ClinVar variation 3040910 (VCV003040910.2), dbSNP rs142856658, ClinGen allele CA4038845.